The following is an entry in ClinVar:

ClinVar aggregate classification (germline): Uncertain significance (1 of 4 stars; one submission).

Conditions:
Charcot-Marie-Tooth disease type 2. Also called: Charcot-Marie-Tooth type 2. Identifiers: Orphanet 64746, MedGen C0270914, MONDO:0018993.

Submission:

Labcorp Genetics (formerly Invitae), Labcorp
Classification: Uncertain significance for Charcot-Marie-Tooth disease type 2. Last evaluated: 2019-10-21. Review status: criteria provided, single submitter. Criteria: Invitae Variant Classification Sherloc (09022015). Collection method: clinical testing. Allele origin: germline.
Comment: In summary, the available evidence is currently insufficient to determine the role of this variant in disease. Therefore, it has been classified as a Variant of Uncertain Significance. Algorithms developed to predict the effect of missense changes on protein structure and function are either unavailable or do not agree on the potential impact of this missense change (SIFT: "Tolerated"; PolyPhen-2: "Probably Damaging"; Align-GVGD: "Class C0"). This variant has not been reported in the literature in individuals with GARS-related conditions. This variant is not present in population databases (ExAC no frequency). This sequence change replaces glutamic acid with alanine at codon 531 of the GARS protein (p.Glu531Ala). The glutamic acid residue is highly conserved and there is a moderate physicochemical difference between glutamic acid and alanine.

NM_002047.4(GARS1):c.1592A>C (p.Glu531Ala)

Gene: GARS1 (glycyl-tRNA synthetase 1; plus strand). Cytogenetic location: 7p14.3.
Variant type: single nucleotide variant.
Coding change: c.1592A>C on transcript NM_002047.4 (MANE Select); coding-DNA position 1592, A replaced by C.
Protein change: p.Glu531Ala; replaces glutamic acid 531 with alanine.
Molecular consequence: missense variant.
Genome position (GRCh38, 1-based): chr7:30,622,441, A>C. VCF-style: chr7-30622441-A-C. GRCh37 (hg19) VCF-style: chr7-30662057-A-C.
Other names: c.1430A>C, p.Glu477Ala (NM_001316772.1); short protein forms E477A, E531A.
Identifiers: ClinVar variation 965846 (VCV000965846.9), dbSNP rs1783032476, ClinGen allele CA367129095.
Genomic context (GRCh38, chr7:30,622,441, plus strand): 5'-ATGCAAAACTGGTGATGGAGTATCTTGCCATTTGTGATGAGTGCTACATTACAGAAATGG[A>C]GATGCTGCTGAATGAGAAAGGGTAAGATATCAGATGTTTACTCTTCCATGGGCTCCAGTC-3'
Protein context (NP_002038.2, residues 521-541): ICDECYITEM[Glu531Ala]MLLNEKGEFT